The following is an entry in ClinVar:

ClinVar aggregate classification (germline): Uncertain significance (1 of 4 stars; one submission).

Submission:

Labcorp Genetics (formerly Invitae), Labcorp
Classification: Uncertain significance. Last evaluated: 2020-11-13. Review status: criteria provided, single submitter. Criteria: Invitae Variant Classification Sherloc (09022015). Collection method: clinical testing. Allele origin: germline.
Comment: This variant has not been reported in the literature in individuals with MSH3-related conditions. This variant is not present in population databases (ExAC no frequency). This sequence change replaces tyrosine with cysteine at codon 905 of the MSH3 protein (p.Tyr905Cys). The tyrosine residue is moderately conserved and there is a large physicochemical difference between tyrosine and cysteine. Algorithms developed to predict the effect of missense changes on protein structure and function are either unavailable or do not agree on the potential impact of this missense change (SIFT: "Deleterious"; PolyPhen-2: "Probably Damaging"; Align-GVGD: "Class C0"). In summary, the available evidence is currently insufficient to determine the role of this variant in disease. Therefore, it has been classified as a Variant of Uncertain Significance.

NM_002439.5(MSH3):c.2714A>G (p.Tyr905Cys)

Gene: MSH3 (mutS homolog 3; plus strand). Cytogenetic location: 5q14.1.
Variant type: single nucleotide variant.
Coding change: c.2714A>G on transcript NM_002439.5 (MANE Select); coding-DNA position 2714, A replaced by G.
Protein change: p.Tyr905Cys; replaces tyrosine 905 with cysteine.
Molecular consequence: missense variant.
Genome position (GRCh38, 1-based): chr5:80,813,642, A>G. VCF-style: chr5-80813642-A-G. GRCh37 (hg19) VCF-style: chr5-80109461-A-G.
Other names: short protein forms Y905C.
Identifiers: ClinVar variation 1504105 (VCV001504105.8), dbSNP rs2112054295, ClinGen allele CA360273928.